The following is an entry in ClinVar:

ClinVar aggregate classification (germline): Uncertain significance. Review status: criteria provided, single submitter (1 of 4 stars). 2 submissions from 2 submitters: Uncertain significance (1). 1 of the submissions does not count toward it. Last evaluated 2022-06-04.

Conditions:
Deficiency of galactokinase. Also called: Galactokinase deficiency with cataracts; GALACTOSEMIA II. Identifiers: Orphanet 352, Orphanet 79237, MedGen C0268155, MONDO:0009255, OMIM 230200.

Allele frequency attached by ClinVar (database versions not stated): TOPMed below 0.00001; gnomAD 0.00002; gnomAD exomes 0.00002 and 0.00005; ExAC 0.00003; 1000 Genomes Project 30x 0.00016; 1000 Genomes Project 0.00020.

Submissions (2):

Labcorp Genetics (formerly Invitae), Labcorp
Classification: Uncertain significance for Deficiency of galactokinase. Last evaluated: 2022-06-04. Review status: criteria provided, single submitter. Criteria: Invitae Variant Classification Sherloc (09022015). Collection method: clinical testing. Allele origin: germline.
Comment: This sequence change replaces serine, which is neutral and polar, with glycine, which is neutral and non-polar, at codon 310 of the GALK1 protein (p.Ser310Gly). This variant is present in population databases (rs201681295, gnomAD 0.03%). This variant has not been reported in the literature in individuals affected with GALK1-related conditions. ClinVar contains an entry for this variant (Variation ID: 968887). Algorithms developed to predict the effect of missense changes on protein structure and function are either unavailable or do not agree on the potential impact of this missense change (SIFT: "Tolerated"; PolyPhen-2: "Probably Damaging"; Align-GVGD: "Class C0"). In summary, the available evidence is currently insufficient to determine the role of this variant in disease. Therefore, it has been classified as a Variant of Uncertain Significance.

Natera, Inc.
Classification: Uncertain significance for Deficiency of galactokinase. Last evaluated: 2021-10-14. Review status: no assertion criteria provided. Collection method: clinical testing. Allele origin: germline. Not counted in ClinVar's aggregate classification.

NM_000154.2(GALK1):c.928A>G (p.Ser310Gly)

Gene: GALK1 (galactokinase 1; minus strand). Cytogenetic location: 17q25.1.
Variant type: single nucleotide variant.
Coding change: c.928A>G on transcript NM_000154.2 (MANE Select); coding-DNA position 928, A replaced by G.
Protein change: p.Ser310Gly; replaces serine 310 with glycine.
Molecular consequence: missense variant.
Genome position (GRCh38, 1-based): chr17:75,758,465, T>C on the plus strand (A>G on the coding strand, the complement: GALK1 is on the minus strand). VCF-style: chr17-75758465-T-C. GRCh37 (hg19) VCF-style: chr17-73754546-T-C.
Other names: c.928A>G, p.Ser310Gly (NM_001381985.1); short protein forms S310G.
Identifiers: ClinVar variation 968887 (VCV000968887.10), dbSNP rs201681295, ClinGen allele CA8770789.